The following is an entry in ClinVar:

ClinVar aggregate classification (germline): Uncertain significance (1 of 4 stars; one submission).

Conditions:
Hereditary cancer-predisposing syndrome. Also called: Neoplastic Syndromes, Hereditary; Tumor predisposition; Hereditary Cancer Syndrome; Hereditary neoplastic syndrome. Identifiers: Orphanet 140162, MedGen C0027672, MeSH D009386, MONDO:0015356.

Submission:

Ambry Genetics
Classification: Uncertain significance for Hereditary cancer-predisposing syndrome. Last evaluated: 2022-07-05. Review status: criteria provided, single submitter. Criteria: Ambry Variant Classification Scheme 2023. Collection method: clinical testing. Allele origin: germline.
Comment: The p.L54P variant (also known as c.161T>C), located in coding exon 2 of the TSC2 gene, results from a T to C substitution at nucleotide position 161. The leucine at codon 54 is replaced by proline, an amino acid with similar properties. This amino acid position is conserved. In addition, this alteration is predicted to be deleterious by in silico analysis. Since supporting evidence is limited at this time, the clinical significance of this alteration remains unclear.

NM_000548.5(TSC2):c.161T>C (p.Leu54Pro)

Gene: TSC2 (TSC complex subunit 2; plus strand). Cytogenetic location: 16p13.3.
Variant type: single nucleotide variant.
Coding change: c.161T>C on transcript NM_000548.5 (MANE Select); coding-DNA position 161, T replaced by C.
Protein change: p.Leu54Pro; replaces leucine 54 with proline.
Molecular consequence: missense variant. On other transcripts: 5 prime UTR variant (1).
Genome position (GRCh38, 1-based): chr16:2,050,422, T>C. VCF-style: chr16-2050422-T-C. GRCh37 (hg19) VCF-style: chr16-2100423-T-C.
Other names: c.161T>C, p.Leu54Pro (NM_001077183.3, NM_001114382.3, NM_001318827.2 and 13 more transcripts); c.14T>C, p.Leu5Pro (NM_001318829.2, NM_001406675.1, NM_001406676.1 and 2 more transcripts); c.-66T>C (NM_001318831.2, NM_001406682.1, NM_001406684.1 and 3 more transcripts); c.194T>C, p.Leu65Pro (NM_001318832.2); c.-656T>C (NM_001406680.1, NM_001406683.1, NM_001406687.1); c.-285T>C (NM_001406681.1); c.-1271T>C (NM_001406689.1, NM_001406690.1, NM_001406691.1 and 2 more transcripts); c.-1577T>C (NM_001406693.1); and 3 more; short protein forms L54P, L65P, L5P.
Identifiers: ClinVar variation 1776584 (VCV001776584.2), dbSNP rs2150995490, ClinGen allele CA394303206.